The following is an entry in ClinVar:

NM_000458.4(HNF1B):c.1177C>T (p.His393Tyr)

Gene: HNF1B (HNF1 homeobox B; minus strand). Cytogenetic location: 17q12.
Variant type: single nucleotide variant.
Coding change: c.1177C>T on transcript NM_000458.4 (MANE Select); coding-DNA position 1177, C replaced by T.
Protein change: p.His393Tyr; replaces histidine 393 with tyrosine.
Molecular consequence: missense variant.
Genome position (GRCh38, 1-based): chr17:37,710,532, G>A on the plus strand (C>T on the coding strand, the complement: HNF1B is on the minus strand). VCF-style: chr17-37710532-G-A. GRCh37 (hg19) VCF-style: chr17-36070540-G-A.
Other names: c.1099C>T, p.His367Tyr (NM_001165923.4, NM_001304286.2); c.1177C>T, p.His393Tyr (NM_001411100.1); short protein forms H393Y, H367Y.
Identifiers: ClinVar variation 2866317 (VCV002866317.4), dbSNP rs1568645428, ClinGen allele CA398759111.

ClinVar aggregate classification (germline): Uncertain significance. Review status: criteria provided, multiple submitters, no conflicts (2 of 4 stars). 2 submissions from 2 submitters: Uncertain significance (2). Last evaluated 2023-03-30.

gnomAD v4.1: 1 of 1,614,206 alleles (0.000062%); highest among the groups gnomAD compares: Non-Finnish European, 0.000085%; no homozygotes.

Submissions (2):

Labcorp Genetics (formerly Invitae), Labcorp
Classification: Uncertain significance. Last evaluated: 2023-03-30. Review status: criteria provided, single submitter. Criteria: Invitae Variant Classification Sherloc (09022015). Collection method: clinical testing. Allele origin: germline.
Comment: In summary, the available evidence is currently insufficient to determine the role of this variant in disease. Therefore, it has been classified as a Variant of Uncertain Significance. Advanced modeling of protein sequence and biophysical properties (such as structural, functional, and spatial information, amino acid conservation, physicochemical variation, residue mobility, and thermodynamic stability) performed at Invitae indicates that this missense variant is not expected to disrupt HNF1B protein function. This variant has not been reported in the literature in individuals affected with HNF1B-related conditions. This variant is not present in population databases (gnomAD no frequency). This sequence change replaces histidine, which is basic and polar, with tyrosine, which is neutral and polar, at codon 393 of the HNF1B protein (p.His393Tyr).

Blueprint Genetics
Classification: Uncertain significance. Last evaluated: 2023-02-13. Review status: criteria provided, single submitter. Criteria: ACMG Guidelines, 2015. Collection method: clinical testing. Allele origin: germline.